The following is an entry in ClinVar:

ClinVar aggregate classification (germline): Uncertain significance. Review status: criteria provided, multiple submitters, no conflicts (2 of 4 stars). 2 submissions from 2 submitters: Uncertain significance (2). Last evaluated 2025-02-22.

Conditions:
Candidiasis, familial, 9 (CANDF9). Identifiers: Orphanet 1334, MedGen C4225324, MONDO:0014642, OMIM 616445.

Allele frequency attached by ClinVar (database versions not stated): TOPMed 0.00003; ExAC 0.00005.
gnomAD v4.1: 9 of 1,597,562 alleles (0.00056%); highest among the groups gnomAD compares: Admixed American, 0.015%; no homozygotes.

Submissions (2):

Ambry Genetics
Classification: Uncertain significance. Last evaluated: 2025-02-22. Review status: criteria provided, single submitter. Criteria: Ambry Variant Classification Scheme 2023. Collection method: clinical testing. Allele origin: germline.

Labcorp Genetics (formerly Invitae), Labcorp
Classification: Uncertain significance for Candidiasis, familial, 9. Last evaluated: 2024-05-25. Review status: criteria provided, single submitter. Criteria: Invitae Variant Classification Sherloc (09022015). Collection method: clinical testing. Allele origin: germline.
Comment: This sequence change replaces alanine, which is neutral and non-polar, with valine, which is neutral and non-polar, at codon 787 of the IL17RC protein (p.Ala787Val). The frequency data for this variant in the population databases is considered unreliable, as metrics indicate poor data quality at this position in the gnomAD database. This variant has not been reported in the literature in individuals affected with IL17RC-related conditions. ClinVar contains an entry for this variant (Variation ID: 1025168). Experimental studies and prediction algorithms are not available or were not evaluated, and the functional significance of this variant is currently unknown. In summary, the available evidence is currently insufficient to determine the role of this variant in disease. Therefore, it has been classified as a Variant of Uncertain Significance.

NM_153460.4(IL17RC):c.2147C>T (p.Ala716Val)

Genes: IL17RC (interleukin 17 receptor C; plus strand), LOC129936144 (ATAC-STARR-seq lymphoblastoid silent region 14051; plus strand). Cytogenetic location: 3p25.3.
Variant type: single nucleotide variant.
Coding change: c.2147C>T on transcript NM_153460.4 (MANE Select); coding-DNA position 2147, C replaced by T.
Protein change: p.Ala716Val; replaces alanine 716 with valine.
Molecular consequence: missense variant. On other transcripts: non-coding transcript variant (1).
Genome position (GRCh38, 1-based): chr3:9,933,577, C>T. VCF-style: chr3-9933577-C-T. GRCh37 (hg19) VCF-style: chr3-9975261-C-T.
Other names: c.2108C>T, p.Ala703Val (NM_001203263.2); c.2057C>T, p.Ala686Val (NM_001203264.2); c.2051C>T, p.Ala684Val (NM_001203265.2); c.2069C>T, p.Ala690Val (NM_001367278.1); c.1988C>T, p.Ala663Val (NM_001367279.1); c.2063C>T, p.Ala688Val (NM_001367280.1); c.2102C>T, p.Ala701Val (NM_032732.6); c.2360C>T, p.Ala787Val (NM_153461.4); and 1 more; short protein forms A663V, A684V, A686V, A688V, A690V, A701V, A703V, A716V.
Identifiers: ClinVar variation 1025168 (VCV001025168.4), dbSNP rs867817700, ClinGen allele CA2247512.